The following is an entry in ClinVar:

NM_006514.4(SCN10A):c.5858C>G (p.Ala1953Gly)

Gene: SCN10A (sodium voltage-gated channel alpha subunit 10; minus strand). Cytogenetic location: 3p22.2.
Variant type: single nucleotide variant.
Coding change: c.5858C>G on transcript NM_006514.4 (MANE Select); coding-DNA position 5858, C replaced by G.
Protein change: p.Ala1953Gly; replaces alanine 1953 with glycine.
Molecular consequence: missense variant.
Genome position (GRCh38, 1-based): chr3:38,697,362, G>C on the plus strand (C>G on the coding strand, the complement: SCN10A is on the minus strand). VCF-style: chr3-38697362-G-C. GRCh37 (hg19) VCF-style: chr3-38738853-G-C.
Other names: c.5855C>G, p.Ala1952Gly (NM_001293306.2); c.5564C>G, p.Ala1855Gly (NM_001293307.2); short protein forms A1952G, A1855G, A1953G.
Identifiers: ClinVar variation 2563719 (VCV002563719.3), dbSNP rs770070419, ClinGen allele CA2319582.
Genomic context (GRCh38, chr3:38,697,362, plus strand): 5'-CAGAAGGACGCATCATAACTGAACATATCCAGGCTGGAGTGTTCTCACTAGGGCCCAGGG[G>C]CAATCAGCTCCATACTGGTGGCTTCATCTTCATTTTGTATTGAGCTAGATGTCCTCATGT-3'
Protein context (NP_006505.4, residues 1943-1956): EDEATSMELI[Ala1953Gly]PGP

ClinVar aggregate classification (germline): Uncertain significance. Review status: criteria provided, multiple submitters, no conflicts (2 of 4 stars). 2 submissions from 2 submitters: Uncertain significance (2). Last evaluated 2025-02-27.

Conditions:
Cardiovascular phenotype. Identifiers: MedGen CN230736.
Brugada syndrome. Also called: Sudden unexpected nocturnal death syndrome; Sudden unexplained nocturnal death syndrome; Sudden Unexplained Death Syndrome; Sudden Unexplained Nocturnal Death Syndrome (SUNDS). Identifiers: Orphanet 130, MedGen C1142166, MONDO:0015263.

gnomAD v4.1: 11 of 1,613,732 alleles (0.00068%); highest among the groups gnomAD compares: Middle Eastern, 0.033%; no homozygotes.

Submissions (2):

Labcorp Genetics (formerly Invitae), Labcorp
Classification: Uncertain significance for Brugada syndrome. Last evaluated: 2025-02-27. Review status: criteria provided, single submitter. Criteria: Invitae Variant Classification Sherloc (09022015). Collection method: clinical testing. Allele origin: germline.
Comment: This sequence change replaces alanine, which is neutral and non-polar, with glycine, which is neutral and non-polar, at codon 1953 of the SCN10A protein (p.Ala1953Gly). This variant is present in population databases (rs770070419, gnomAD 0.003%). This variant has not been reported in the literature in individuals affected with SCN10A-related conditions. ClinVar contains an entry for this variant (Variation ID: 2563719). Invitae Evidence Modeling of protein sequence and biophysical properties (such as structural, functional, and spatial information, amino acid conservation, physicochemical variation, residue mobility, and thermodynamic stability) indicates that this missense variant is not expected to disrupt SCN10A protein function with a negative predictive value of 95%. In summary, the available evidence is currently insufficient to determine the role of this variant in disease. Therefore, it has been classified as a Variant of Uncertain Significance.

Ambry Genetics
Classification: Uncertain significance for Cardiovascular phenotype. Last evaluated: 2023-05-06. Review status: criteria provided, single submitter. Criteria: Ambry Variant Classification Scheme 2023. Collection method: clinical testing. Allele origin: germline.
Comment: The p.A1953G variant (also known as c.5858C>G), located in coding exon 27 of the SCN10A gene, results from a C to G substitution at nucleotide position 5858. The alanine at codon 1953 is replaced by glycine, an amino acid with similar properties. This amino acid position is conserved. In addition, this alteration is predicted to be tolerated by in silico analysis. Since supporting evidence is limited at this time, the clinical significance of this alteration remains unclear.